The following is an entry in ClinVar:

ClinVar aggregate classification (germline): Uncertain significance (1 of 4 stars; one submission).

Conditions:
PCNT-related disorder. Also called: PCNT-related condition.

Allele frequency attached by ClinVar (database versions not stated): TOPMed 0.00001.
gnomAD v4.1: 2 of 1,613,900 alleles (0.00012%); highest among the groups gnomAD compares: Non-Finnish European, 0.000085%; no homozygotes.

Submission:

PreventionGenetics, part of Exact Sciences
Classification: Uncertain significance for PCNT-related condition. Last evaluated: 2026-04-06. Review status: criteria provided, single submitter. Criteria: ACMG Guidelines, 2015. Collection method: clinical testing. Allele origin: germline.
Comment: The PCNT c.7873C>T variant is predicted to result in the amino acid substitution p.Arg2625Trp. To our knowledge, this variant has not been reported in the literature or in a large population database (gnomAD), indicating this variant is rare. At this time, the clinical significance of this variant is uncertain due to the absence of conclusive functional and genetic evidence.

NM_006031.6(PCNT):c.7873C>T (p.Arg2625Trp)

Gene: PCNT (pericentrin; plus strand). Cytogenetic location: 21q22.3.
Variant type: single nucleotide variant.
Coding change: c.7873C>T on transcript NM_006031.6 (MANE Select); coding-DNA position 7873, C replaced by T.
Protein change: p.Arg2625Trp; replaces arginine 2625 with tryptophan.
Molecular consequence: missense variant.
Genome position (GRCh38, 1-based): chr21:46,430,192, C>T. VCF-style: chr21-46430192-C-T. GRCh37 (hg19) VCF-style: chr21-47850106-C-T.
Other names: c.7519C>T, p.Arg2507Trp (NM_001315529.2); short protein forms R2507W, R2625W.
Identifiers: ClinVar variation 3032054 (VCV003032054.3), dbSNP rs2087689712, ClinGen allele CA410571963.
Genomic context (GRCh38, chr21:46,430,192, plus strand): 5'-GTAGTGCGAGATTTGAAGTCCGACCTCTGTGAGAGCAGGCAGAAGAGCGAACAGCTGTCC[C>T]GGTCCCTCTGCGAGGTGCAGCAGGAGGTCCTCCAGCTGAGGTGCGCCTGATCCCCCTTCC-3'
Protein context (NP_006022.3, residues 2615-2635): ESRQKSEQLS[Arg2625Trp]SLCEVQQEVL